The following is an entry in ClinVar:

NM_000064.4(C3):c.1997C>G (p.Ala666Gly)

Gene: C3 (complement C3; minus strand). Cytogenetic location: 19p13.3.
Variant type: single nucleotide variant.
Coding change: c.1997C>G on transcript NM_000064.4 (MANE Select); coding-DNA position 1997, C replaced by G.
Protein change: p.Ala666Gly; replaces alanine 666 with glycine.
Molecular consequence: missense variant.
Genome position (GRCh38, 1-based): chr19:6,707,516, G>C on the plus strand (C>G on the coding strand, the complement: C3 is on the minus strand). VCF-style: chr19-6707516-G-C. GRCh37 (hg19) VCF-style: chr19-6707527-G-C.
Other names: short protein forms A666G.
Identifiers: ClinVar variation 3658168 (VCV003658168.2).
Genomic context (GRCh38, chr19:6,707,516, plus strand): 5'-AGGCTCCCACCTTTGTCCATTCGCTTCTCCGTGAGCTGCACGGAACGGCGTCGGCGGGCG[G>C]CTGGCTGCGGGCACTGAAGTTCTGCAGGGCAGGCGGACCGAGAAGAAGATGGATGAGGCA-3'
Protein context (NP_000055.2, residues 656-676): QRAELQCPQP[Ala666Gly]ARRRRSVQLT

ClinVar aggregate classification (germline): Uncertain significance (1 of 4 stars; one submission).

Submission:

Labcorp Genetics (formerly Invitae), Labcorp
Classification: Uncertain significance. Last evaluated: 2024-06-28. Review status: criteria provided, single submitter. Criteria: Invitae Variant Classification Sherloc (09022015). Collection method: clinical testing. Allele origin: germline.
Comment: This sequence change replaces alanine, which is neutral and non-polar, with glycine, which is neutral and non-polar, at codon 666 of the C3 protein (p.Ala666Gly). This variant is not present in population databases (gnomAD no frequency). This variant has not been reported in the literature in individuals affected with C3-related conditions. An algorithm developed to predict the effect of missense changes on protein structure and function (PolyPhen-2) suggests that this variant is likely to be tolerated. In summary, the available evidence is currently insufficient to determine the role of this variant in disease. Therefore, it has been classified as a Variant of Uncertain Significance.